The following is an entry in ClinVar:

ClinVar aggregate classification (germline): Benign (1 of 4 stars; one submission).

Allele frequency attached by ClinVar (database versions not stated): gnomAD 0.16230 and 0.16596; TOPMed 0.17889; 1000 Genomes Project 0.19649; 1000 Genomes Project 30x 0.20534.
gnomAD v4.1: 24,621 of 152,162 alleles (16%); highest among the groups gnomAD compares: African/African-American, 34%; 3,050 homozygotes.

Submission:

GeneDx
Classification: Benign. Last evaluated: 2018-06-19. Review status: criteria provided, single submitter. Criteria: GeneDx Variant Classification (06012015). Collection method: clinical testing. Allele origin: germline. Affected: yes.
Comment: This variant is considered likely benign or benign based on one or more of the following criteria: it is a conservative change, it occurs at a poorly conserved position in the protein, it is predicted to be benign by multiple in silico algorithms, and/or has population frequency not consistent with disease.

NM_012434.5(SLC17A5):c.978+261A>G

Gene: SLC17A5 (solute carrier family 17 member 5; minus strand). Cytogenetic location: 6q13.
Variant type: single nucleotide variant.
Coding change: c.978+261A>G on transcript NM_012434.5 (MANE Select); 261 bases into the intron after coding-DNA position 978, A replaced by G.
Molecular consequence: intron variant.
Genome position (GRCh38, 1-based): chr6:73,621,543, T>C on the plus strand (A>G on the coding strand, the complement: SLC17A5 is on the minus strand). VCF-style: chr6-73621543-T-C. GRCh37 (hg19) VCF-style: chr6-74331266-T-C.
Identifiers: ClinVar variation 672091 (VCV000672091.1), dbSNP rs609439, ClinGen allele CA12389593.